The following is an entry in ClinVar:

ClinVar aggregate classification (germline): Uncertain significance (1 of 4 stars; one submission).

Conditions:
Immunodeficiency. Identifiers: MedGen C0021051, MONDO:0021094, HP:0002721.

Submission:

Labcorp Genetics (formerly Invitae), Labcorp
Classification: Uncertain significance for Immunodeficiency. Last evaluated: 2024-06-17. Review status: criteria provided, single submitter. Criteria: Invitae Variant Classification Sherloc (09022015). Collection method: clinical testing. Allele origin: germline.
Comment: This sequence change replaces proline, which is neutral and non-polar, with alanine, which is neutral and non-polar, at codon 1118 of the NFAT5 protein (p.Pro1118Ala). This variant is not present in population databases (gnomAD no frequency). This variant has not been reported in the literature in individuals affected with NFAT5-related conditions. An algorithm developed to predict the effect of missense changes on protein structure and function (PolyPhen-2) suggests that this variant is likely to be tolerated. In summary, the available evidence is currently insufficient to determine the role of this variant in disease. Therefore, it has been classified as a Variant of Uncertain Significance.

NM_138713.4(NFAT5):c.3634C>G (p.Pro1212Ala)

Gene: NFAT5 (nuclear factor of activated T cells 5; plus strand). Cytogenetic location: 16q22.1.
Variant type: single nucleotide variant.
Coding change: c.3634C>G on transcript NM_138713.4 (MANE Select); coding-DNA position 3634, C replaced by G.
Protein change: p.Pro1212Ala; replaces proline 1212 with alanine.
Molecular consequence: missense variant.
Genome position (GRCh38, 1-based): chr16:69,693,459, C>G. VCF-style: chr16-69693459-C-G. GRCh37 (hg19) VCF-style: chr16-69727362-C-G.
Other names: c.3631C>G, p.Pro1211Ala (NM_001113178.3); c.2959C>G, p.Pro987Ala (NM_001367709.1); c.3580C>G, p.Pro1194Ala (NM_006599.4); c.3352C>G, p.Pro1118Ala (NM_138714.4, NM_173214.3, NM_173215.3); short protein forms P987A, P1212A, P1118A, P1194A, P1211A.
Identifiers: ClinVar variation 3656863 (VCV003656863.2).